The following is an entry in ClinVar:

ClinVar aggregate classification (germline): Pathogenic (1 of 4 stars; one submission).

Conditions:
Juvenile polyposis syndrome (JPS). Identifiers: Orphanet 2929, MedGen C0345893, MONDO:0017380, OMIM 174900.

Submission:

Labcorp Genetics (formerly Invitae), Labcorp
Classification: Pathogenic for Juvenile polyposis syndrome. Last evaluated: 2025-10-30. Review status: criteria provided, single submitter. Criteria: Invitae Variant Classification Sherloc (09022015). Collection method: clinical testing. Allele origin: germline.
Comment: This sequence change creates a premature translational stop signal (p.Gln311Profs*21) in the SMAD4 gene. It is expected to result in an absent or disrupted protein product. Loss-of-function variants in SMAD4 are known to be pathogenic (PMID: 16152648, 16436638, 22810475). This variant is not present in population databases (gnomAD no frequency). This variant has not been reported in the literature in individuals affected with SMAD4-related conditions. For these reasons, this variant has been classified as Pathogenic.

Literature cited by the submitters: PubMed 16152648; PubMed 16436638; PubMed 22810475.

NM_005359.6(SMAD4):c.930_942del (p.Gln311fs)

Gene: SMAD4 (SMAD family member 4; plus strand). Cytogenetic location: 18q21.2.
Variant type: Deletion.
Coding change: c.930_942del on transcript NM_005359.6 (MANE Select); coding-DNA positions 930 to 942, 13 bases deleted (CCAGCCTCCCATT).
Protein change: p.Gln311fs; shifts the reading frame from glutamine 311.
Molecular consequence: frameshift variant. On other transcripts: non-coding transcript variant (2).
Genome position (GRCh38, 1-based): chr18:51,059,891-51,059,903, CCAGCCTCCCATT deleted; deleting any 13 consecutive bases within chr18:51,059,887-51,059,903 gives the same sequence; the c. name uses the placement nearest the transcript's 3' end. VCF-style (leftmost placement, unchanged base first): chr18-51059886-GCATTCCAGCCTCC-G. GRCh37 (hg19) VCF-style: chr18-48586256-GCATTCCAGCCTCC-G.
Other names: c.930_942del, p.Gln311fs (NM_001407041.1, NM_001407042.1, NM_001407043.1); short protein forms Q311fs.
Identifiers: ClinVar variation 4712384 (VCV004712384.1).